The following is an entry in ClinVar:

NC_000005.10:g.(?_112707312)_(112755035_?)del

Gene: APC (APC regulator of Wnt signaling pathway; plus strand). Cytogenetic location: 5q22.2.
Variant type: Deletion.
Identifiers: ClinVar variation 832064 (VCV000832064.1).

ClinVar aggregate classification (germline): Pathogenic (1 of 4 stars; one submission).

Conditions:
Familial adenomatous polyposis 1 (FAP1). Also called: POLYPOSIS, ADENOMATOUS INTESTINAL; FAMILIAL ADENOMATOUS POLYPOSIS 1, ATTENUATED. Identifiers: MedGen C2713442, MONDO:0021056, OMIM 175100. Disease mechanism: loss of function.

Submission:

Labcorp Genetics (formerly Invitae), Labcorp
Classification: Pathogenic for Familial adenomatous polyposis 1. Last evaluated: 2019-01-31. Review status: criteria provided, single submitter. Criteria: Invitae Variant Classification Sherloc (09022015). Collection method: clinical testing. Allele origin: germline.
Comment: This variant is a gross deletion of the genomic region encompassing the promoter 1B sequence, promoter 1A sequence, as well as exon 2 of the APC gene, which includes the initiator codon. The 5' end of this event is unknown as it extends beyond the assayed region for this gene and therefore may encompass additional genes. The 3' boundary is likely confined to intron 2 of the APC gene. This is expected to result in an absent or disrupted protein product. This variant has not been reported in the literature in individuals with APC-related conditions. Loss-of-function variants in APC are known to be pathogenic (PMID: 17963004, 20685668). For these reasons, this variant has been classified as Pathogenic.